The following is an entry in ClinVar:

NM_014753.4(BMS1):c.3132+9A>G

Gene: BMS1 (BMS1 ribosome biogenesis factor; plus strand). Cytogenetic location: 10q11.21.
Variant type: single nucleotide variant.
Coding change: c.3132+9A>G on transcript NM_014753.4 (MANE Select); 9 bases into the intron after coding-DNA position 3132, A replaced by G.
Molecular consequence: intron variant.
Genome position (GRCh38, 1-based): chr10:42,822,193, A>G. VCF-style: chr10-42822193-A-G. GRCh37 (hg19) VCF-style: chr10-43317641-A-G.
Identifiers: ClinVar variation 741028 (VCV000741028.6), dbSNP rs200819885, ClinGen allele CA5476229.

ClinVar aggregate classification (germline): Likely benign. Review status: criteria provided, single submitter (1 of 4 stars). 2 submissions from 2 submitters: Likely benign (1). 1 of the submissions does not count toward it. Last evaluated 2019-12-31.

Conditions:
BMS1-related disorder. Also called: BMS1-related condition.

Allele frequency attached by ClinVar (database versions not stated): gnomAD exomes 0.00038 and 0.00046; TOPMed 0.00038; gnomAD 0.00040; ExAC 0.00048.
gnomAD v4.1: 585 of 1,289,036 alleles (0.045%); highest among the groups gnomAD compares: South Asian, 0.069%; no homozygotes.

Submissions (2):

Labcorp Genetics (formerly Invitae), Labcorp
Classification: Likely benign. Last evaluated: 2019-12-31. Review status: criteria provided, single submitter. Criteria: Invitae Variant Classification Sherloc (09022015). Collection method: clinical testing. Allele origin: germline.

PreventionGenetics, part of Exact Sciences
Classification: Likely benign for BMS1-related condition. Last evaluated: 2023-04-27. Review status: no assertion criteria provided. Collection method: clinical testing. Allele origin: germline. Not counted in ClinVar's aggregate classification.
Comment: This variant is classified as likely benign based on ACMG/AMP sequence variant interpretation guidelines (Richards et al. 2015 PMID: 25741868, with internal and published modifications).